The following is an entry in ClinVar:

NM_014714.4(IFT140):c.2129G>T (p.Ser710Ile)

Gene: IFT140 (intraflagellar transport 140; minus strand). Cytogenetic location: 16p13.3.
Variant type: single nucleotide variant.
Coding change: c.2129G>T on transcript NM_014714.4 (MANE Select); coding-DNA position 2129, G replaced by T.
Protein change: p.Ser710Ile; replaces serine 710 with isoleucine.
Molecular consequence: missense variant.
Genome position (GRCh38, 1-based): chr16:1,562,055, C>A on the plus strand (G>T on the coding strand, the complement: IFT140 is on the minus strand). VCF-style: chr16-1562055-C-A. GRCh37 (hg19) VCF-style: chr16-1612056-C-A.
Other names: c.2129G>T (NM_014714.3); short protein forms S710I.
Identifiers: ClinVar variation 1983056 (VCV001983056.6), dbSNP rs957993470, ClinGen allele CA276657014.

ClinVar aggregate classification (germline): Uncertain significance. Review status: criteria provided, multiple submitters, no conflicts (2 of 4 stars). 3 submissions from 3 submitters: Uncertain significance (3). Last evaluated 2025-04-30.

Conditions:
Retinitis pigmentosa 80 (RP80). Identifiers: MedGen C4540439, MONDO:0054708, OMIM 617781.
Saldino-Mainzer syndrome (SRTD9). Also called: Renal dysplasia, retinal pigmentary dystrophy, cerebellar ataxia and skeletal dysplasia; CONORENAL SYNDROME; short-rib thoracic dysplasia 9 with or without polydactyly; SHORT-RIB THORACIC DYSPLASIA 9 WITHOUT POLYDACTYLY. Identifiers: Orphanet 140969, MedGen C1849437, MONDO:0009964, OMIM 266920.
Inborn genetic diseases. Identifiers: MedGen C0950123, MeSH D030342.

Allele frequency attached by ClinVar (database versions not stated): TOPMed 0.00001.
gnomAD v4.1: 1 of 1,612,110 alleles (0.000062%); highest among the groups gnomAD compares: African/African-American, 0.0013%; no homozygotes.

Submissions (3):

Labcorp Genetics (formerly Invitae), Labcorp
Classification: Uncertain significance for Saldino-Mainzer syndrome. Last evaluated: 2025-04-30. Review status: criteria provided, single submitter. Criteria: Invitae Variant Classification Sherloc (09022015). Collection method: clinical testing. Allele origin: germline.
Comment: This sequence change replaces serine, which is neutral and polar, with isoleucine, which is neutral and non-polar, at codon 710 of the IFT140 protein (p.Ser710Ile). This variant is not present in population databases (gnomAD no frequency). This variant has not been reported in the literature in individuals affected with IFT140-related conditions. ClinVar contains an entry for this variant (Variation ID: 1983056). Invitae Evidence Modeling of protein sequence and biophysical properties (such as structural, functional, and spatial information, amino acid conservation, physicochemical variation, residue mobility, and thermodynamic stability) indicates that this missense variant is not expected to disrupt IFT140 protein function with a negative predictive value of 95%. In summary, the available evidence is currently insufficient to determine the role of this variant in disease. Therefore, it has been classified as a Variant of Uncertain Significance.

Fulgent Genetics
Classification: Uncertain significance for Saldino-Mainzer syndrome; Retinitis pigmentosa 80. Last evaluated: 2024-04-10. Review status: criteria provided, single submitter. Criteria: ACMG Guidelines, 2015. Collection method: clinical testing. Allele origin: germline.

Ambry Genetics
Classification: Uncertain significance for Inborn genetic diseases. Last evaluated: 2024-01-23. Review status: criteria provided, single submitter. Criteria: Ambry Variant Classification Scheme 2023. Collection method: clinical testing. Allele origin: germline.